The following is an entry in ClinVar:

ClinVar aggregate classification (germline): Likely benign. Review status: criteria provided, multiple submitters, no conflicts (2 of 4 stars). 3 submissions from 3 submitters: Likely benign (3). Last evaluated 2025-08-01.

Conditions:
Wilms tumor 1 (WT1). Also called: Wilms tumor, somatic. Identifiers: Orphanet 654, MedGen CN033288, MONDO:0008679, OMIM 194070.
Simpson-Golabi-Behmel syndrome type 1 (SGBS1). Also called: SIMPSON DYSMORPHIA SYNDROME; BULLDOG SYNDROME; DYSPLASIA GIGANTISM SYNDROME, X-LINKED; GOLABI-ROSEN SYNDROME; GPC3-Related Simpson-Golabi-Behmel Syndrome Type 1. Identifiers: Orphanet 373, MedGen C0796154, MONDO:0020602, OMIM 312870.

Allele frequency attached by ClinVar (database versions not stated): gnomAD 0.00001; gnomAD exomes 0.00001; TOPMed 0.00001.
gnomAD v4.1: 5 of 1,209,433 alleles (0.00041%); highest among the groups gnomAD compares: African/African-American, 0.007%; no homozygotes.

Submissions (3):

CeGaT Center for Human Genetics Tuebingen
Classification: Likely benign. Last evaluated: 2025-08-01. Review status: criteria provided, single submitter. Criteria: CeGaT Center For Human Genetics Tuebingen Variant Classification Criteria Version 2. Collection method: clinical testing. Allele origin: germline. Affected: yes. Observed: 1 variant allele.
Comment: GPC3: BP4, BP7

Labcorp Genetics (formerly Invitae), Labcorp
Classification: Likely benign for Wilms tumor 1. Last evaluated: 2025-07-30. Review status: criteria provided, single submitter. Criteria: Invitae Variant Classification Sherloc (09022015). Collection method: clinical testing. Allele origin: germline.

Fulgent Genetics
Classification: Likely benign for Wilms tumor 1; Simpson-Golabi-Behmel syndrome type 1. Last evaluated: 2021-10-27. Review status: criteria provided, single submitter. Criteria: ACMG Guidelines, 2015. Collection method: clinical testing. Allele origin: unknown.

NM_004484.4(GPC3):c.696T>C (p.Ala232=)

Gene: GPC3 (glypican 3; minus strand). Cytogenetic location: Xq26.2.
Variant type: single nucleotide variant.
Coding change: c.696T>C on transcript NM_004484.4 (MANE Select); coding-DNA position 696, T replaced by C.
Protein change: p.Ala232=; no amino-acid change (alanine 232 retained).
Molecular consequence: synonymous variant.
Genome position (GRCh38, 1-based): chrX:133,753,818, A>G on the plus strand (T>C on the coding strand, the complement: GPC3 is on the minus strand). VCF-style: chrX-133753818-A-G. GRCh37 (hg19) VCF-style: chrX-132887845-A-G.
Other names: c.696T>C, p.Ala232= (NM_001164617.2); c.648T>C, p.Ala216= (NM_001164618.2); c.534T>C, p.Ala178= (NM_001164619.2).
Identifiers: ClinVar variation 1103639 (VCV001103639.18), dbSNP rs2071695506, ClinGen allele CA518852597.